The following is an entry in ClinVar:

NM_001958.5(EEF1A2):c.324+93C>G

Gene: EEF1A2 (eukaryotic translation elongation factor 1 alpha 2; minus strand). Cytogenetic location: 20q13.33.
Variant type: single nucleotide variant.
Coding change: c.324+93C>G on transcript NM_001958.5 (MANE Select); 93 bases into the intron after coding-DNA position 324, C replaced by G.
Molecular consequence: intron variant.
Genome position (GRCh38, 1-based): chr20:63,495,763, G>C on the plus strand (C>G on the coding strand, the complement: EEF1A2 is on the minus strand). VCF-style: chr20-63495763-G-C. GRCh37 (hg19) VCF-style: chr20-62127116-G-C.
Identifiers: ClinVar variation 677446 (VCV000677446.2), dbSNP rs111948928, ClinGen allele CA317442420.

ClinVar aggregate classification (germline): Likely benign. Review status: criteria provided, multiple submitters, no conflicts (2 of 4 stars). 2 submissions from 2 submitters: Likely benign (2). Last evaluated 2018-06-19.

Allele frequency attached by ClinVar (database versions not stated): gnomAD 0.01248 and 0.01334; 1000 Genomes Project 0.01378; TOPMed 0.01384; 1000 Genomes Project 30x 0.01530.
gnomAD v4.1: 3,462 of 1,490,896 alleles (0.23%); highest among the groups gnomAD compares: African/African-American, 4.3%; 82 homozygotes.

Submissions (2):

GeneDx
Classification: Likely benign. Last evaluated: 2018-06-19. Review status: criteria provided, single submitter. Criteria: GeneDx Variant Classification (06012015). Collection method: clinical testing. Allele origin: germline. Affected: yes.
Comment: This variant is considered likely benign or benign based on one or more of the following criteria: it is a conservative change, it occurs at a poorly conserved position in the protein, it is predicted to be benign by multiple in silico algorithms, and/or has population frequency not consistent with disease.

Breakthrough Genomics
Classification: Likely benign. Review status: criteria provided, single submitter. Criteria: ACMG Guidelines, 2015. Collection method: not provided. Allele origin: germline. Inheritance: Autosomal dominant inheritance. Affected: yes.